The following is an entry in ClinVar:

ClinVar aggregate classification (germline): Likely pathogenic (1 of 4 stars; one submission).

Conditions:
Metachromatic leukodystrophy (MLD). Also called: ARSA DEFICIENCY; CEREBROSIDE SULFATASE DEFICIENCY; METACHROMATIC LEUKOENCEPHALOPATHY; Cerebral sclerosis diffuse metachromatic form; Arylsulfatase A Deficiency; SULFATIDE LIPIDOSIS. Identifiers: Orphanet 512, MedGen C0023522, MONDO:0018868, OMIM 250100.

Submission:

Laboratory of Experimental Gene Therapy of Hereditary Metabolic Diseases, Research Centre for Medical Genetics
Classification: Likely pathogenic for Metachromatic leukodystrophy. Last evaluated: 2026-09-17. Review status: criteria provided, single submitter. Criteria: ARSA MLD Assertion Criteria V2 2026 09 18. Collection method: clinical testing. Allele origin: germline. Inheritance: Autosomal recessive inheritance. Affected: yes. Observed: 1 variant allele, 1 compound heterozygote.
Comment: Reassessed under ACMG/AMP 2015 with ClinGen SVI refinements and a Bayesian point framework (supporting=1, moderate=2, strong=4, very strong=8; 6-9 points=likely pathogenic; >=10 points=pathogenic). Final score: 8. Evidence applied: PVS1_VeryStrong. Observations from the present referral series were excluded from classification.

NM_000487.6:c.934_*1806del

Gene: ARSA (arylsulfatase A; minus strand).
Variant type: Deletion.
Other names: NP_000478.3:p.(Val312HisfsTer133); c.934_*1806del (NM_000487.6).
Identifiers: ClinVar variation 4850947 (VCV004850947.2).